The following is an entry in ClinVar:

ClinVar aggregate classification (germline): Uncertain significance (1 of 4 stars; one submission).

Conditions:
Zellweger spectrum disorders (ZS). Also called: Zellweger Spectrum Disorder; Zellweger Spectrum; Zellweger Spectrum Disorder (ZSD); Zellweger syndrome. Identifiers: Orphanet 912, MedGen C0043459, MONDO:0019609.

Allele frequency attached by ClinVar (database versions not stated): gnomAD exomes below 0.00001; TOPMed below 0.00001.
gnomAD v4.1: 1 of 1,614,040 alleles (0.000062%); highest among the groups gnomAD compares: Non-Finnish European, 0.000085%; no homozygotes.

Submission:

Labcorp Genetics (formerly Invitae), Labcorp
Classification: Uncertain significance for Zellweger spectrum disorders. Last evaluated: 2021-10-08. Review status: criteria provided, single submitter. Criteria: Invitae Variant Classification Sherloc (09022015). Collection method: clinical testing. Allele origin: germline.
Comment: This sequence change replaces phenylalanine with valine at codon 287 of the PEX1 protein (p.Phe287Val). The phenylalanine residue is moderately conserved and there is a small physicochemical difference between phenylalanine and valine. This variant is not present in population databases (ExAC no frequency). This variant has not been reported in the literature in individuals affected with PEX1-related conditions. Algorithms developed to predict the effect of missense changes on protein structure and function are either unavailable or do not agree on the potential impact of this missense change (SIFT: "Tolerated"; PolyPhen-2: "Possibly Damaging"; Align-GVGD: "Class C0"). In summary, the available evidence is currently insufficient to determine the role of this variant in disease. Therefore, it has been classified as a Variant of Uncertain Significance.

NM_000466.3(PEX1):c.859T>G (p.Phe287Val)

Gene: PEX1 (peroxisomal biogenesis factor 1; minus strand). Cytogenetic location: 7q21.2.
Variant type: single nucleotide variant.
Coding change: c.859T>G on transcript NM_000466.3 (MANE Select); coding-DNA position 859, T replaced by G.
Protein change: p.Phe287Val; replaces phenylalanine 287 with valine.
Molecular consequence: missense variant.
Genome position (GRCh38, 1-based): chr7:92,517,656, A>C on the plus strand (T>G on the coding strand, the complement: PEX1 is on the minus strand). VCF-style: chr7-92517656-A-C. GRCh37 (hg19) VCF-style: chr7-92146970-A-C.
Other names: c.859T>G, p.Phe287Val (NM_001282677.2); c.235T>G, p.Phe79Val (NM_001282678.2); short protein forms F287V, F79V.
Identifiers: ClinVar variation 1430151 (VCV001430151.3), dbSNP rs1792858913, ClinGen allele CA368199362.